The following is an entry in ClinVar:

ClinVar aggregate classification (germline): Pathogenic/Likely pathogenic. Review status: criteria provided, multiple submitters, no conflicts (2 of 4 stars). 8 submissions from 8 submitters: Pathogenic (6); Likely pathogenic (2). Last evaluated 2025-10-23.

Conditions:
ANKRD11-related disorder. Also called: ANKRD11-related condition.
KBG syndrome (KBGS). Also called: ANKRD11-Related KBG Syndrome. Identifiers: Orphanet 2332, MedGen C0220687, MONDO:0007846, OMIM 148050.

Submissions (8):

Variantyx, Inc.
Classification: Pathogenic for KBG syndrome. Last evaluated: 2025-10-23. Review status: criteria provided, single submitter. Criteria: Variantyx Assertion Criteria 2022. Collection method: clinical testing. Allele origin: de novo. Inheritance: Autosomal dominant inheritance. Affected: yes.
Comment: This is a nonsense variant in the ANKRD11 gene (OMIM: 611192). Pathogenic variants in this gene have been associated with autosomal dominant KBG syndrome. This variant introduces a premature termination codon in exon 9 out of 13 and is expected to result in loss of function, which is a known disease mechanism for ANKRD11 in this disorder (PMID: 32725632) (PVS1). This variant is absent from control populations (PM2). Based on the current evidence, this variant is classified as pathogenic for autosomal dominant KBG syndrome.

GeneDx
Classification: Pathogenic. Last evaluated: 2025-09-23. Review status: criteria provided, single submitter. Criteria: GeneDx Variant Classification Process June 2021. Collection method: clinical testing. Allele origin: germline. Affected: yes.
Comment: Nonsense variant predicted to result in protein truncation or nonsense mediated decay in a gene for which loss of function is a known mechanism of disease; Not observed at significant frequency in large population cohorts (gnomAD); This variant is associated with the following publications: (PMID: 34971082, 32124548, 35970914, 37586838, 37964495, 37226940)

Women's Health and Genetics/Laboratory Corporation of America, LabCorp
Classification: Pathogenic for KBG syndrome. Last evaluated: 2025-03-31. Review status: criteria provided, single submitter. Criteria: LabCorp Variant Classification Summary - May 2015. Collection method: clinical testing. Allele origin: germline.
Comment: Variant summary: ANKRD11 c.1977C>G (p.Tyr659X) results in a premature termination codon, predicted to cause a truncation of the encoded protein or absence of the protein due to nonsense mediated decay, which are commonly known mechanisms for disease. The variant was absent in 251474 control chromosomes (gnomAD). c.1977C>G has been reported in the literature as a de novo occurrence in multiple individuals affected with KBG Syndrome (e.g. Gnazzo_2020, and in an internal LCA patient). To our knowledge, no experimental evidence demonstrating an impact on protein function has been reported. The following publication have been ascertained in the context of this evaluation (PMID: 32124548). ClinVar contains an entry for this variant (Variation ID: 489328). Based on the evidence outlined above, the variant was classified as pathogenic.

3billion
Classification: Pathogenic for KBG syndrome. Last evaluated: 2023-08-26. Review status: criteria provided, single submitter. Criteria: ACMG Guidelines, 2015. Collection method: clinical testing. Allele origin: germline. Affected: yes.
Comment: The variant is not observed in the gnomAD v2.1.1 dataset. Predicted Consequence/Location: Stop-gained (nonsense): predicted to result in a loss or disruption of normal protein function through nonsense-mediated decay (NMD) or protein truncation. Multiple pathogenic variants are reported downstream of the variant. The variant has been previously reported as de novo in a similarly affected individual (PMID: 32124548). The variant has been reported at least twice as pathogenic with clinical assertions and evidence for the classification (ClinVar ID: VCV000489328 /PMID: 32124548). Therefore, this variant is classified as Pathogenic according to the recommendation of ACMG/AMP guideline.

CENTOGENE GmbH and LLC - Guiding Precision Medicine
Classification: Pathogenic for KBG syndrome. Last evaluated: 2020-05-22. Review status: criteria provided, single submitter. Criteria: ACMG Guidelines, 2015. Collection method: clinical testing. Allele origin: de novo. Affected: yes.

Fulgent Genetics
Classification: Pathogenic for KBG syndrome. Last evaluated: 2018-10-31. Review status: criteria provided, single submitter. Criteria: ACMG Guidelines, 2015. Collection method: clinical testing. Allele origin: unknown.

Blueprint Genetics
Classification: Likely pathogenic for ANKRD11-related disorders. Last evaluated: 2018-10-11. Review status: criteria provided, single submitter. Criteria: ACMG Guidelines, 2015. Collection method: clinical testing. Allele origin: germline. Affected: yes. Observed: 1 variant allele.

Genome Medicine, Institute for Basic Research in Developmental Disabilities
Classification: Likely pathogenic for KBG syndrome. Review status: criteria provided, single submitter. Criteria: ACMG Guidelines, 2015. Collection method: clinical testing. Allele origin: de novo. Affected: yes. Observed: 1 variant allele.

Literature cited by the submitters: PubMed 32124548 (cited by 3 submitters); PubMed 32725632 (cited by Variantyx, Inc.); PubMed 35970914 (cited by Genome Medicine, Institute for Basic Research in Developmental Disabilities).

NM_013275.6(ANKRD11):c.1977C>G (p.Tyr659Ter)

Gene: ANKRD11 (ankyrin repeat domain 11; minus strand). Cytogenetic location: 16q24.3.
Variant type: single nucleotide variant.
Coding change: c.1977C>G on transcript NM_013275.6 (MANE Select); coding-DNA position 1977, C replaced by G.
Protein change: p.Tyr659Ter; replaces tyrosine 659 with a stop codon.
Molecular consequence: nonsense.
Genome position (GRCh38, 1-based): chr16:89,284,565, G>C on the plus strand (C>G on the coding strand, the complement: ANKRD11 is on the minus strand). VCF-style: chr16-89284565-G-C. GRCh37 (hg19) VCF-style: chr16-89350973-G-C.
Other names: c.1977C>G, p.Tyr659Ter (NM_001256182.2, NM_001256183.2); short protein forms Y659*.
Identifiers: ClinVar variation 489328 (VCV000489328.14), dbSNP rs749201074, ClinGen allele CA397163483.
Genomic context (GRCh38, chr16:89,284,565, plus strand): 5'-GGAAAGATCATTCTCTAACAGTATAGCCTTATCTGACTTCTGCTTGGAGTCCTCATATTC[G>C]TAAGTAAAACTTTTCAACTTCAGCTCTTGGCTGATGGAACACTGTCCCTTCTCCTTGTTT-3'